The following is an entry in ClinVar:

ClinVar aggregate classification (germline): Uncertain significance (1 of 4 stars; one submission).

Conditions:
Familial focal epilepsy with variable foci (FPEVF). Identifiers: Orphanet 98820, MedGen C1858477, MONDO:0020310.

gnomAD v4.1: 2 of 1,604,568 alleles (0.00012%); highest among the groups gnomAD compares: Admixed American, 0.0017%; no homozygotes.

Submission:

Labcorp Genetics (formerly Invitae), Labcorp
Classification: Uncertain significance for Familial focal epilepsy with variable foci. Last evaluated: 2023-07-26. Review status: criteria provided, single submitter. Criteria: Invitae Variant Classification Sherloc (09022015). Collection method: clinical testing. Allele origin: germline.
Comment: This sequence change falls in intron 4 of the DEPDC5 gene. It does not directly change the encoded amino acid sequence of the DEPDC5 protein. It affects a nucleotide within the consensus splice site. In summary, the available evidence is currently insufficient to determine the role of this variant in disease. Therefore, it has been classified as a Variant of Uncertain Significance. Variants that disrupt the consensus splice site are a relatively common cause of aberrant splicing (PMID: 17576681, 9536098). Algorithms developed to predict the effect of sequence changes on RNA splicing suggest that this variant may disrupt the consensus splice site. This variant has not been reported in the literature in individuals affected with DEPDC5-related conditions. This variant is not present in population databases (gnomAD no frequency).

Literature cited by the submitters: PubMed 17576681; PubMed 9536098.

NM_001242896.3(DEPDC5):c.193+5G>T

Gene: DEPDC5 (DEP domain containing 5, GATOR1 subcomplex subunit; plus strand). Cytogenetic location: 22q12.2.
Variant type: single nucleotide variant.
Coding change: c.193+5G>T on transcript NM_001242896.3 (MANE Select); 5 bases into the intron after coding-DNA position 193, G replaced by T.
Molecular consequence: intron variant.
Genome position (GRCh38, 1-based): chr22:31,760,707, G>T. VCF-style: chr22-31760707-G-T. GRCh37 (hg19) VCF-style: chr22-32156693-G-T.
Other names: c.193+5G>T (NM_001364318.2, NM_001136029.4, NM_014662.6 and 9 more transcripts).
Identifiers: ClinVar variation 2887109 (VCV002887109.3), dbSNP rs2082316143, ClinGen allele CA2401647935.
Genomic context (GRCh38, chr22:31,760,707, plus strand): 5'-CTTTTTCAGCCCTCTGCTTTTGCAGGTCAAGTCTCTTAAGGAAGATTTACAGAAGGGTAA[G>T]AATTATATCACTCTTCTTAGAATTTTTTATTTACTGCCTCAGAAACTGTAAGAAATCTCT-3'